The following is an entry in ClinVar:

NM_004304.5(ALK):c.3888G>A (p.Met1296Ile)

Gene: ALK (ALK receptor tyrosine kinase; minus strand). Cytogenetic location: 2p23.2.
Variant type: single nucleotide variant.
Coding change: c.3888G>A on transcript NM_004304.5 (MANE Select); coding-DNA position 3888, G replaced by A.
Protein change: p.Met1296Ile; replaces methionine 1296 with isoleucine.
Molecular consequence: missense variant.
Genome position (GRCh38, 1-based): chr2:29,207,221, C>T on the plus strand (G>A on the coding strand, the complement: ALK is on the minus strand). VCF-style: chr2-29207221-C-T. GRCh37 (hg19) VCF-style: chr2-29430087-C-T.
Other names: c.684G>A, p.Met228Ile (NM_001353765.2); short protein forms M1296I, M228I.
Identifiers: ClinVar variation 485087 (VCV000485087.8), dbSNP rs1553390763, ClinGen allele CA346468780.

ClinVar aggregate classification (germline): Uncertain significance. Review status: criteria provided, multiple submitters, no conflicts (2 of 4 stars). 2 submissions from 2 submitters: Uncertain significance (2). Last evaluated 2023-12-08.

Conditions:
Hereditary cancer-predisposing syndrome. Also called: Hereditary neoplastic syndrome; Neoplastic Syndromes, Hereditary; Tumor predisposition; Hereditary Cancer Syndrome. Identifiers: Orphanet 140162, MedGen C0027672, MeSH D009386, MONDO:0015356.
Neuroblastoma, susceptibility to, 3. Also called: ALK-Related Neuroblastic Tumor Susceptibility. Identifiers: Orphanet 635, MedGen C2751681, MONDO:0013083, OMIM 613014.

Submissions (2):

Labcorp Genetics (formerly Invitae), Labcorp
Classification: Uncertain significance for Neuroblastoma, susceptibility to, 3. Last evaluated: 2023-12-08. Review status: criteria provided, single submitter. Criteria: Invitae Variant Classification Sherloc (09022015). Collection method: clinical testing. Allele origin: germline.
Comment: This sequence change replaces methionine, which is neutral and non-polar, with isoleucine, which is neutral and non-polar, at codon 1296 of the ALK protein (p.Met1296Ile). This variant is not present in population databases (gnomAD no frequency). This variant has not been reported in the literature in individuals affected with ALK-related conditions. ClinVar contains an entry for this variant (Variation ID: 485087). An algorithm developed to predict the effect of missense changes on protein structure and function (PolyPhen-2) suggests that this variant is likely to be disruptive. In summary, the available evidence is currently insufficient to determine the role of this variant in disease. Therefore, it has been classified as a Variant of Uncertain Significance.

Ambry Genetics
Classification: Uncertain significance for Hereditary cancer-predisposing syndrome. Last evaluated: 2017-08-16. Review status: criteria provided, single submitter. Criteria: Ambry Variant Classification Scheme 2023. Collection method: clinical testing. Allele origin: germline.
Comment: The p.M1296I variant (also known as c.3888G>A), located in coding exon 26 of the ALK gene, results from a G to A substitution at nucleotide position 3888. The methionine at codon 1296 is replaced by isoleucine, an amino acid with highly similar properties. This amino acid position is highly conserved in available vertebrate species. In addition, this alteration is predicted to be deleterious by in silico analysis. Since supporting evidence is limited at this time, the clinical significance of this alteration remains unclear.